The following is an entry in ClinVar:

ClinVar aggregate classification (germline): Uncertain significance (1 of 4 stars; one submission).

Conditions:
Inborn genetic diseases. Identifiers: MedGen C0950123, MeSH D030342.

Submission:

Ambry Genetics
Classification: Uncertain significance for Inborn genetic diseases. Last evaluated: 2025-05-31. Review status: criteria provided, single submitter. Criteria: Ambry Variant Classification Scheme 2023. Collection method: clinical testing. Allele origin: germline.
Comment: The p.C517G variant (also known as c.1549T>G), located in coding exon 12 of the DNMT3A gene, results from a T to G substitution at nucleotide position 1549. The cysteine at codon 517 is replaced by glycine, an amino acid with highly dissimilar properties. This amino acid position is conserved. In addition, this alteration is predicted to be deleterious by in silico analysis. Based on the available evidence, the clinical significance of this variant remains unclear.

NM_022552.5(DNMT3A):c.1549T>G (p.Cys517Gly)

Gene: DNMT3A (DNA methyltransferase 3 alpha; minus strand). Cytogenetic location: 2p23.3.
Variant type: single nucleotide variant.
Coding change: c.1549T>G on transcript NM_022552.5 (MANE Select); coding-DNA position 1549, T replaced by G.
Protein change: p.Cys517Gly; replaces cysteine 517 with glycine.
Molecular consequence: missense variant. On other transcripts: non-coding transcript variant (1).
Genome position (GRCh38, 1-based): chr2:25,245,258, A>C on the plus strand (T>G on the coding strand, the complement: DNMT3A is on the minus strand). VCF-style: chr2-25245258-A-C. GRCh37 (hg19) VCF-style: chr2-25468127-A-C.
Other names: c.1093T>G, p.Cys365Gly (NM_001320893.1); c.880T>G, p.Cys294Gly (NM_001375819.1); c.982T>G, p.Cys328Gly (NM_153759.3); c.1549T>G, p.Cys517Gly (NM_175629.2); short protein forms C365G, C294G, C328G, C517G.
Identifiers: ClinVar variation 4013941 (VCV004013941.1).